The following is an entry in ClinVar:

ClinVar aggregate classification (germline): Conflicting classifications of pathogenicity. Review status: criteria provided, conflicting classifications (1 of 4 stars). 2 submissions from 2 submitters: Uncertain significance (1); Likely benign (1). Last evaluated 2025-01-21.

Allele frequency attached by ClinVar (database versions not stated): ExAC 0.00010; gnomAD exomes 0.00021 and 0.00063; 1000 Genomes Project 30x 0.00031; ESP Exome Variant Server 0.00032; 1000 Genomes Project 0.00040; TOPMed 0.00043; gnomAD 0.00044.
gnomAD v4.1: 954 of 1,551,854 alleles (0.061%); highest among the groups gnomAD compares: Non-Finnish European, 0.077%; no homozygotes.

Submissions (2):

Labcorp Genetics (formerly Invitae), Labcorp
Classification: Uncertain significance. Last evaluated: 2025-01-21. Review status: criteria provided, single submitter. Criteria: Invitae Variant Classification Sherloc (09022015). Collection method: clinical testing. Allele origin: germline.
Comment: This sequence change replaces arginine, which is basic and polar, with histidine, which is basic and polar, at codon 9 of the IL2RB protein (p.Arg9His). This variant is present in population databases (rs147593802, gnomAD 0.05%). This variant has not been reported in the literature in individuals affected with IL2RB-related conditions. ClinVar contains an entry for this variant (Variation ID: 1405436). An algorithm developed to predict the effect of missense changes on protein structure and function outputs the following: PolyPhen-2: "Benign". The histidine amino acid residue is found in multiple mammalian species, which suggests that this missense change does not adversely affect protein function. In summary, the available evidence is currently insufficient to determine the role of this variant in disease. Therefore, it has been classified as a Variant of Uncertain Significance.

Blueprint Genetics
Classification: Likely benign. Last evaluated: 2024-11-11. Review status: criteria provided, single submitter. Criteria: ACMG Guidelines, 2015. Collection method: clinical testing. Allele origin: germline.

NM_000878.5(IL2RB):c.26G>A (p.Arg9His)

Gene: IL2RB (interleukin 2 receptor subunit beta; minus strand). Cytogenetic location: 22q12.3.
Variant type: single nucleotide variant.
Coding change: c.26G>A on transcript NM_000878.5 (MANE Select); coding-DNA position 26, G replaced by A.
Protein change: p.Arg9His; replaces arginine 9 with histidine.
Molecular consequence: missense variant.
Genome position (GRCh38, 1-based): chr22:37,144,147, C>T on the plus strand (G>A on the coding strand, the complement: IL2RB is on the minus strand). VCF-style: chr22-37144147-C-T. GRCh37 (hg19) VCF-style: chr22-37540187-C-T.
Other names: c.26G>A, p.Arg9His (NM_001346222.1, NM_001346223.2); short protein forms R9H.
Identifiers: ClinVar variation 1405436 (VCV001405436.5), dbSNP rs147593802, ClinGen allele CA10216782.